The following is an entry in ClinVar:

ClinVar aggregate classification (germline): Likely benign (1 of 4 stars; one submission).

Allele frequency attached by ClinVar (database versions not stated): gnomAD exomes 0.00023; ExAC 0.00081; gnomAD 0.00220; TOPMed 0.00229; ESP Exome Variant Server 0.00233; 1000 Genomes Project 0.00419; 1000 Genomes Project 30x 0.00422.
gnomAD v4.1: 682 of 1,590,916 alleles (0.043%); highest among the groups gnomAD compares: African/African-American, 0.8%; 4 homozygotes.

Submission:

CeGaT Center for Human Genetics Tuebingen
Classification: Likely benign. Last evaluated: 2023-02-01. Review status: criteria provided, single submitter. Criteria: CeGaT Center For Human Genetics Tuebingen Variant Classification Criteria Version 2. Collection method: clinical testing. Allele origin: germline. Affected: yes. Observed: 1 variant allele.
Comment: POLRMT: BP4, BP7, BS2

NM_005035.4(POLRMT):c.642C>T (p.His214=)

Gene: POLRMT (RNA polymerase mitochondrial; minus strand). Cytogenetic location: 19p13.3.
Variant type: single nucleotide variant.
Coding change: c.642C>T on transcript NM_005035.4 (MANE Select); coding-DNA position 642, C replaced by T.
Protein change: p.His214=; no amino-acid change (histidine 214 retained).
Molecular consequence: synonymous variant. On other transcripts: non-coding transcript variant (1).
Genome position (GRCh38, 1-based): chr19:629,720, G>A on the plus strand (C>T on the coding strand, the complement: POLRMT is on the minus strand). VCF-style: chr19-629720-G-A. GRCh37 (hg19) VCF-style: chr19-629720-G-A.
Other names: c.318C>T, p.His106= (NM_001407835.1, NM_001407836.1, NM_001407831.1 and 2 more transcripts); c.642C>T, p.His214= (NM_001407805.1, NM_001407806.1, NM_001407807.1 and 12 more transcripts).
Identifiers: ClinVar variation 2648862 (VCV002648862.24), dbSNP rs143562847, ClinGen allele CA9020668.